The following is an entry in ClinVar:

NM_000760.4(CSF3R):c.79G>A (p.Gly27Arg)

Gene: CSF3R (colony stimulating factor 3 receptor; minus strand). Cytogenetic location: 1p34.3.
Variant type: single nucleotide variant.
Coding change: c.79G>A on transcript NM_000760.4 (MANE Select); coding-DNA position 79, G replaced by A.
Protein change: p.Gly27Arg; replaces glycine 27 with arginine.
Molecular consequence: missense variant.
Genome position (GRCh38, 1-based): chr1:36,475,659, C>T on the plus strand (G>A on the coding strand, the complement: CSF3R is on the minus strand). VCF-style: chr1-36475659-C-T. GRCh37 (hg19) VCF-style: chr1-36941260-C-T.
Other names: c.79G>A, p.Gly27Arg (NM_156039.3, NM_172313.3, LRG_144t1); short protein forms G27R.
Identifiers: ClinVar variation 450176 (VCV000450176.10), dbSNP rs759364352, ClinGen allele CA769574.
Genomic context (GRCh38, chr1:36,475,659, plus strand): 5'-TGCAGGAGGCTGTGATGGGATCCCCCAGGTGGACGATGGGGGCTGAGACACTGATGTGCC[C>T]GCACTCCTCCAGACCTGGGGTGGAAGAGAATGGGCCAGGAACGACGCCTCTGCCTAGCAG-3'
Protein context (NP_000751.1, residues 17-37): LLLPGSLEEC[Gly27Arg]HISVSAPIVH

ClinVar aggregate classification (germline): Uncertain significance. Review status: criteria provided, multiple submitters, no conflicts (2 of 4 stars). 5 submissions from 5 submitters: Uncertain significance (5). Last evaluated 2024-12-19.

Conditions:
Autosomal recessive severe congenital neutropenia due to CSF3R deficiency. Also called: Neutropenia, severe congenital, 7, autosomal recessive. Identifiers: Orphanet 420702, MedGen C4310764, MONDO:0014865, OMIM 617014.

Allele frequency attached by ClinVar (database versions not stated): gnomAD exomes 0.00001; ExAC 0.00002.
gnomAD v4.1: 16 of 1,607,070 alleles (0.001%); highest among the groups gnomAD compares: Non-Finnish European, 0.0012%; no homozygotes.

Submissions (5):

Genomic Medicine Center of Excellence, King Faisal Specialist Hospital and Research Centre
Classification: Uncertain significance for Autosomal recessive severe congenital neutropenia due to CSF3R deficiency. Last evaluated: 2024-12-19. Review status: criteria provided, single submitter. Criteria: ACMG Guidelines, 2015. Collection method: clinical testing. Allele origin: germline.

Labcorp Genetics (formerly Invitae), Labcorp
Classification: Uncertain significance for Autosomal recessive severe congenital neutropenia due to CSF3R deficiency. Last evaluated: 2024-07-02. Review status: criteria provided, single submitter. Criteria: Invitae Variant Classification Sherloc (09022015). Collection method: clinical testing. Allele origin: germline.
Comment: This sequence change replaces glycine, which is neutral and non-polar, with arginine, which is basic and polar, at codon 27 of the CSF3R protein (p.Gly27Arg). This variant is present in population databases (rs759364352, gnomAD 0.003%). This missense change has been observed in individual(s) with severe congenital neutropenia (PMID: 35295078). ClinVar contains an entry for this variant (Variation ID: 450176). Advanced modeling of protein sequence and biophysical properties (such as structural, functional, and spatial information, amino acid conservation, physicochemical variation, residue mobility, and thermodynamic stability) performed at Invitae indicates that this missense variant is expected to disrupt CSF3R protein function with a positive predictive value of 80%. In summary, the available evidence is currently insufficient to determine the role of this variant in disease. Therefore, it has been classified as a Variant of Uncertain Significance.

GeneDx
Classification: Uncertain significance. Last evaluated: 2023-09-13. Review status: criteria provided, single submitter. Criteria: GeneDx Variant Classification Process June 2021. Collection method: clinical testing. Allele origin: germline. Affected: yes.
Comment: Not observed at significant frequency in large population cohorts (gnomAD); In silico analysis supports that this missense variant has a deleterious effect on protein structure/function; This variant is associated with the following publications: (PMID: 35295078)

Blueprint Genetics
Classification: Uncertain significance. Last evaluated: 2023-08-24. Review status: criteria provided, single submitter. Criteria: ACMG Guidelines, 2015. Collection method: clinical testing. Allele origin: germline.

Baylor Genetics
Classification: Uncertain significance for Autosomal recessive severe congenital neutropenia due to CSF3R deficiency. Last evaluated: 2020-05-05. Review status: criteria provided, single submitter. Criteria: ACMG Guidelines, 2015. Collection method: clinical testing. Allele origin: unknown. Affected: yes.
Comment: This variant was determined to be of uncertain significance according to ACMG Guidelines, 2015 [PMID:25741868].

Literature cited by the submitters: PubMed 35295078 (cited by Labcorp Genetics (formerly Invitae), Labcorp).